The following is an entry in ClinVar:

ClinVar aggregate classification (germline): Uncertain significance (1 of 4 stars; one submission).

Conditions:
Hereditary cancer-predisposing syndrome. Also called: Tumor predisposition; Hereditary neoplastic syndrome; Hereditary Cancer Syndrome; Neoplastic Syndromes, Hereditary. Identifiers: Orphanet 140162, MedGen C0027672, MeSH D009386, MONDO:0015356.

Submission:

Ambry Genetics
Classification: Uncertain significance for Hereditary cancer-predisposing syndrome. Last evaluated: 2024-01-25. Review status: criteria provided, single submitter. Criteria: Ambry Variant Classification Scheme 2023. Collection method: clinical testing. Allele origin: germline.
Comment: The p.P887L variant (also known as c.2660C>T), located in coding exon 12 of the BLM gene, results from a C to T substitution at nucleotide position 2660. The proline at codon 887 is replaced by leucine, an amino acid with similar properties. This amino acid position is conserved. In addition, the in silico prediction for this alteration is inconclusive. Based on the available evidence, the clinical significance of this alteration remains unclear.

NM_000057.4(BLM):c.2660C>T (p.Pro887Leu)

Gene: BLM (BLM RecQ like helicase; plus strand). Cytogenetic location: 15q26.1.
Variant type: single nucleotide variant.
Coding change: c.2660C>T on transcript NM_000057.4 (MANE Select); coding-DNA position 2660, C replaced by T.
Protein change: p.Pro887Leu; replaces proline 887 with leucine.
Molecular consequence: missense variant.
Genome position (GRCh38, 1-based): chr15:90,782,926, C>T. VCF-style: chr15-90782926-C-T. GRCh37 (hg19) VCF-style: chr15-91326156-C-T.
Other names: c.2660C>T, p.Pro887Leu (NM_001287246.2, NM_001287247.2); c.1535C>T, p.Pro512Leu (NM_001287248.2); short protein forms P512L, P887L.
Identifiers: ClinVar variation 3224268 (VCV003224268.1), dbSNP rs1896654472, ClinGen allele CA393845827.